The following is an entry in ClinVar:

NM_001904.4(CTNNB1):c.370C>G (p.Arg124Gly)

Genes: CTNNB1 (catenin beta 1; plus strand), LOC126806658 (BRD4-independent group 4 enhancer GRCh37_chr3:41265899-41267098; plus strand). Cytogenetic location: 3p22.1.
Variant type: single nucleotide variant.
Coding change: c.370C>G on transcript NM_001904.4 (MANE Select); coding-DNA position 370, C replaced by G.
Protein change: p.Arg124Gly; replaces arginine 124 with glycine.
Molecular consequence: missense variant.
Genome position (GRCh38, 1-based): chr3:41,225,082, C>G. VCF-style: chr3-41225082-C-G. GRCh37 (hg19) VCF-style: chr3-41266573-C-G.
Other names: c.370C>G, p.Arg124Gly (NM_001098209.2, NM_001098210.2); c.349C>G, p.Arg117Gly (NM_001330729.2); short protein forms R117G, R124G.
Identifiers: ClinVar variation 1992593 (VCV001992593.4), dbSNP rs751808983, ClinGen allele CA352229141.
Genomic context (GRCh38, chr3:41,225,082, plus strand): 5'-GATGAGGGCATGCAGATCCCATCTACACAGTTTGATGCTGCTCATCCCACTAATGTCCAG[C>G]GTTTGGCTGAACCATCACAGATGCTGAAACATGCAGTTGTAAACTTGATTAACTATCAAG-3'
Protein context (NP_001895.1, residues 114-134): FDAAHPTNVQ[Arg124Gly]LAEPSQMLKH

ClinVar aggregate classification (germline): Uncertain significance (1 of 4 stars; one submission).

Submission:

Labcorp Genetics (formerly Invitae), Labcorp
Classification: Uncertain significance. Last evaluated: 2022-05-10. Review status: criteria provided, single submitter. Criteria: Invitae Variant Classification Sherloc (09022015). Collection method: clinical testing. Allele origin: germline.
Comment: This sequence change replaces arginine, which is basic and polar, with glycine, which is neutral and non-polar, at codon 124 of the CTNNB1 protein (p.Arg124Gly). This variant is not present in population databases (gnomAD no frequency). This variant has not been reported in the literature in individuals affected with CTNNB1-related conditions. Algorithms developed to predict the effect of missense changes on protein structure and function are either unavailable or do not agree on the potential impact of this missense change (SIFT: "Tolerated"; PolyPhen-2: "Possibly Damaging"; Align-GVGD: "Class C0"). Algorithms developed to predict the effect of sequence changes on RNA splicing suggest that this variant may create or strengthen a splice site. In summary, the available evidence is currently insufficient to determine the role of this variant in disease. Therefore, it has been classified as a Variant of Uncertain Significance.